The following is an entry in ClinVar:

ClinVar aggregate classification (germline): Uncertain significance (1 of 4 stars; one submission).

Conditions:
Bloom syndrome (BLM). Also called: Bloom-Torre-Machacek syndrome. Identifiers: Orphanet 125, MedGen C0005859, MONDO:0008876, OMIM 210900.

gnomAD v4.1: 1 of 1,609,082 alleles (0.000062%); highest among the groups gnomAD compares: Non-Finnish European, 0.000085%; no homozygotes.

Submission:

Labcorp Genetics (formerly Invitae), Labcorp
Classification: Uncertain significance for Bloom syndrome. Last evaluated: 2024-02-15. Review status: criteria provided, single submitter. Criteria: Invitae Variant Classification Sherloc (09022015). Collection method: clinical testing. Allele origin: germline.
Comment: This sequence change replaces valine, which is neutral and non-polar, with methionine, which is neutral and non-polar, at codon 1081 of the BLM protein (p.Val1081Met). This variant is not present in population databases (gnomAD no frequency). This variant has not been reported in the literature in individuals affected with BLM-related conditions. Advanced modeling of protein sequence and biophysical properties (such as structural, functional, and spatial information, amino acid conservation, physicochemical variation, residue mobility, and thermodynamic stability) performed at Invitae indicates that this missense variant is expected to disrupt BLM protein function with a positive predictive value of 80%. In summary, the available evidence is currently insufficient to determine the role of this variant in disease. Therefore, it has been classified as a Variant of Uncertain Significance.

NM_000057.4(BLM):c.3241G>A (p.Val1081Met)

Gene: BLM (BLM RecQ like helicase; plus strand). Cytogenetic location: 15q26.1.
Variant type: single nucleotide variant.
Coding change: c.3241G>A on transcript NM_000057.4 (MANE Select); coding-DNA position 3241, G replaced by A.
Protein change: p.Val1081Met; replaces valine 1081 with methionine.
Molecular consequence: missense variant.
Genome position (GRCh38, 1-based): chr15:90,798,220, G>A. VCF-style: chr15-90798220-G-A. GRCh37 (hg19) VCF-style: chr15-91341450-G-A.
Other names: c.3241G>A, p.Val1081Met (NM_001287246.2, NM_001287247.2); c.2116G>A, p.Val706Met (NM_001287248.2); short protein forms V1081M, V706M.
Identifiers: ClinVar variation 3641107 (VCV003641107.2).